The following is an entry in ClinVar:

NM_001844.5(COL2A1):c.2753dup (p.Pro919fs)

Gene: COL2A1 (collagen type II alpha 1 chain; minus strand). Cytogenetic location: 12q13.11.
Variant type: Duplication.
Coding change: c.2753dup on transcript NM_001844.5 (MANE Select); coding-DNA position 2753, one base duplicated (G; older notation c.2753dupG).
Protein change: p.Pro919fs; shifts the reading frame from proline 919.
Molecular consequence: frameshift variant.
Genome position (GRCh38, 1-based): chr12:47,978,739, C duplicated on the plus strand (G on the coding strand, the reverse complement: COL2A1 is on the minus strand); the first of 2 consecutive C bases (chr12:47,978,739-47,978,740); duplicating either gives the same sequence. VCF-style (leftmost placement, unchanged base first): chr12-47978738-A-AC. GRCh37 (hg19) VCF-style: chr12-48372521-A-AC.
Other names: c.2546dup, p.Pro850fs (NM_033150.3); short protein forms P919fs, P850fs.
Identifiers: ClinVar variation 942177 (VCV000942177.7), dbSNP rs1938872900, ClinGen allele CA1139662592.
Genomic context (GRCh38, chr12:47,978,738, plus strand): 5'-AGGGGGGCCGCTGTCTCCTCGAGCACCTTTGGGACCATCTTTTCCAGAAGGACCAGGGGG[A>AC]CCAGGGGGTCCAGGGTTGCCCTAGAAGGAGAAAATGCGGGAAGTGAGGACTCATCTCACC-3'

ClinVar aggregate classification (germline): Pathogenic (1 of 4 stars; one submission).

Submission:

Labcorp Genetics (formerly Invitae), Labcorp
Classification: Pathogenic. Last evaluated: 2020-02-23. Review status: criteria provided, single submitter. Criteria: Invitae Variant Classification Sherloc (09022015). Collection method: clinical testing. Allele origin: germline.
Comment: This sequence change creates a premature translational stop signal (p.Pro919Serfs*25) in the COL2A1 gene. It is expected to result in an absent or disrupted protein product. This variant is not present in population databases (ExAC no frequency). This variant has not been reported in the literature in individuals with COL2A1-related conditions. Loss-of-function variants in COL2A1 are known to be pathogenic (PMID: 20179744). For these reasons, this variant has been classified as Pathogenic.

Literature cited by the submitters: PubMed 20179744.